The following is an entry in ClinVar:

ClinVar aggregate classification (germline): Likely pathogenic (1 of 4 stars; one submission).

Conditions:
Autosomal recessive limb-girdle muscular dystrophy type 2A (LGMDR1). Also called: Limb-girdle muscular dystrophy, type 2A; Calpainopathy; LEYDEN-MOEBIUS MUSCULAR DYSTROPHY; MUSCULAR DYSTROPHY, PELVOFEMORAL; Muscular dystrophy, limb-girdle, type 2A, Amish. Identifiers: Orphanet 267, MedGen C1869123, MONDO:0009675, OMIM 253600. Disease mechanism: loss of function.

Submission:

Labcorp Genetics (formerly Invitae), Labcorp
Classification: Likely pathogenic for Autosomal recessive limb-girdle muscular dystrophy type 2A. Last evaluated: 2022-01-14. Review status: criteria provided, single submitter. Criteria: Invitae Variant Classification Sherloc (09022015). Collection method: clinical testing. Allele origin: germline.
Comment: In summary, the currently available evidence indicates that the variant is pathogenic, but additional data are needed to prove that conclusively. Therefore, this variant has been classified as Likely Pathogenic. Algorithms developed to predict the effect of sequence changes on RNA splicing suggest that this variant may disrupt the consensus splice site. ClinVar contains an entry for this variant (Variation ID: 959503). This variant has not been reported in the literature in individuals affected with CAPN3-related conditions. This variant is not present in population databases (gnomAD no frequency). This sequence change affects an acceptor splice site in intron 11 of the CAPN3 gene. It is expected to disrupt RNA splicing. Variants that disrupt the donor or acceptor splice site typically lead to a loss of protein function (PMID: 16199547), and loss-of-function variants in CAPN3 are known to be pathogenic (PMID: 10330340, 15689361).

Literature cited by the submitters: PubMed 16199547; PubMed 10330340; PubMed 15689361.

NM_000070.3(CAPN3):c.1525-1G>T

Gene: CAPN3 (calpain 3; plus strand). Cytogenetic location: 15q15.1.
Variant type: single nucleotide variant.
Coding change: c.1525-1G>T on transcript NM_000070.3 (MANE Select); the canonical splice acceptor site of the intron before coding-DNA position 1525, G replaced by T.
Molecular consequence: splice acceptor variant.
Genome position (GRCh38, 1-based): chr15:42,402,123, G>T. VCF-style: chr15-42402123-G-T. GRCh37 (hg19) VCF-style: chr15-42694321-G-T.
Other names: c.1525-1G>T (NM_024344.2); c.1381-1G>T (NM_173087.2).
Identifiers: ClinVar variation 959503 (VCV000959503.8), dbSNP rs2053889963, ClinGen allele CA392000027.